The following is an entry in ClinVar:

ClinVar aggregate classification (germline): Uncertain significance (1 of 4 stars; one submission).

Conditions:
Cardiovascular phenotype. Identifiers: MedGen CN230736.

Submission:

Ambry Genetics
Classification: Uncertain significance for Cardiovascular phenotype. Last evaluated: 2024-09-23. Review status: criteria provided, single submitter. Criteria: Ambry Variant Classification Scheme 2023. Collection method: clinical testing. Allele origin: germline.
Comment: The p.L864F variant (also known as c.2590C>T), located in coding exon 16 of the CBL gene, results from a C to T substitution at nucleotide position 2590. The leucine at codon 864 is replaced by phenylalanine, an amino acid with highly similar properties. This amino acid position is conserved. In addition, this alteration is predicted to be deleterious by in silico analysis. Based on the available evidence, the clinical significance of this variant remains unclear.

NM_005188.4(CBL):c.2590C>T (p.Leu864Phe)

Gene: CBL (Cbl proto-oncogene; plus strand). Cytogenetic location: 11q23.3.
Variant type: single nucleotide variant.
Coding change: c.2590C>T on transcript NM_005188.4 (MANE Select); coding-DNA position 2590, C replaced by T.
Protein change: p.Leu864Phe; replaces leucine 864 with phenylalanine.
Molecular consequence: missense variant.
Genome position (GRCh38, 1-based): chr11:119,299,650, C>T. VCF-style: chr11-119299650-C-T. GRCh37 (hg19) VCF-style: chr11-119170360-C-T.
Other names: short protein forms L864F.
Identifiers: ClinVar variation 3485589 (VCV003485589.1).
Genomic context (GRCh38, chr11:119,299,650, plus strand): 5'-AGTGGTCCTGCCGCCTCTGCTGCCACCGCCTCACCTCAGCTCTCCAGTGAGATCGAGAAC[C>T]TCATGAGTCAGGGGTACTCCTACCAGGACATCCAGAAAGCTTTGGTCATTGCCCAGAACA-3'
Protein context (NP_005179.2, residues 854-874): SPQLSSEIEN[Leu864Phe]MSQGYSYQDI